The following is an entry in ClinVar:

NM_017849.4(TMEM127):c.471G>T (p.Gln157His)

Gene: TMEM127 (transmembrane protein 127; minus strand). Cytogenetic location: 2q11.2.
Variant type: single nucleotide variant.
Coding change: c.471G>T on transcript NM_017849.4 (MANE Select); coding-DNA position 471, G replaced by T.
Protein change: p.Gln157His; replaces glutamine 157 with histidine.
Molecular consequence: missense variant.
Genome position (GRCh38, 1-based): chr2:96,254,054, C>A on the plus strand (G>T on the coding strand, the complement: TMEM127 is on the minus strand). VCF-style: chr2-96254054-C-A. GRCh37 (hg19) VCF-style: chr2-96919792-C-A.
Other names: c.471G>T, p.Gln157His (NM_001193304.3); short protein forms Q157H.
Identifiers: ClinVar variation 1691884 (VCV001691884.2), dbSNP rs2104285097, ClinGen allele CA347652883.

ClinVar aggregate classification (germline): Uncertain significance. Review status: criteria provided, multiple submitters, no conflicts (2 of 4 stars). 2 submissions from 2 submitters: Uncertain significance (2). Last evaluated 2025-07-15.

Conditions:
Hereditary pheochromocytoma and paraganglioma. Also called: Hereditary pheochromocytoma-paraganglioma; Hereditary paragangliomas and pheochromocytomas; Hereditary Paraganglioma-Pheochromocytoma Syndromes. Identifiers: Orphanet 29072, MedGen C4274332, MONDO:0017366.
Hereditary cancer-predisposing syndrome. Also called: Neoplastic Syndromes, Hereditary; Tumor predisposition; Hereditary Cancer Syndrome; Hereditary neoplastic syndrome. Identifiers: Orphanet 140162, MedGen C0027672, MeSH D009386, MONDO:0015356.

Allele frequency attached by ClinVar (database versions not stated): gnomAD exomes below 0.00001.

Submissions (2):

Labcorp Genetics (formerly Invitae), Labcorp
Classification: Uncertain significance for Hereditary pheochromocytoma and paraganglioma. Last evaluated: 2025-07-15. Review status: criteria provided, single submitter. Criteria: Invitae Variant Classification Sherloc (09022015). Collection method: clinical testing. Allele origin: germline.
Comment: This sequence change replaces glutamine, which is neutral and polar, with histidine, which is basic and polar, at codon 157 of the TMEM127 protein (p.Gln157His). This variant is not present in population databases (gnomAD no frequency). This variant has not been reported in the literature in individuals affected with TMEM127-related conditions. ClinVar contains an entry for this variant (Variation ID: 1691884). An algorithm developed to predict the effect of missense changes on protein structure and function (PolyPhen-2) suggests that this variant is likely to be tolerated. In summary, the available evidence is currently insufficient to determine the role of this variant in disease. Therefore, it has been classified as a Variant of Uncertain Significance.

Sema4
Classification: Uncertain significance for Hereditary cancer-predisposing syndrome. Last evaluated: 2021-06-25. Review status: criteria provided, single submitter. Criteria: Sema4 Curation Guidelines. Collection method: curation. Allele origin: germline.
Comment: The TMEM127 c.471G>T (p.Q157H) variant has not been reported in the literature to our knowledge. This variant was not observed in the large and broad cohorts of the Genome Aggregation Database (PMID: 32461654). This variant has not been reported in ClinVar. In silico tools suggest the impact of the variant on protein function is inconclusive, though these predictions have not been confirmed by functional studies. The overall evidence is insufficient to meet ACMG/AMP criteria for classifying it as benign or pathogenic. In summary, the clinical significance of this variant is currently uncertain.